The following is an entry in ClinVar:

NM_005477.3(HCN4):c.2317A>G (p.Ile773Val)

Gene: HCN4 (hyperpolarization activated cyclic nucleotide gated potassium channel 4; minus strand). Cytogenetic location: 15q24.1.
Variant type: single nucleotide variant.
Coding change: c.2317A>G on transcript NM_005477.3 (MANE Select); coding-DNA position 2317, A replaced by G.
Protein change: p.Ile773Val; replaces isoleucine 773 with valine.
Molecular consequence: missense variant.
Genome position (GRCh38, 1-based): chr15:73,323,776, T>C on the plus strand (A>G on the coding strand, the complement: HCN4 is on the minus strand). VCF-style: chr15-73323776-T-C. GRCh37 (hg19) VCF-style: chr15-73616117-T-C.
Other names: c.2317A>G (NM_005477.2); short protein forms I773V.
Identifiers: ClinVar variation 1047194 (VCV001047194.9), dbSNP rs1173397954, ClinGen allele CA393089133.

ClinVar aggregate classification (germline): Uncertain significance. Review status: criteria provided, multiple submitters, no conflicts (2 of 4 stars). 2 submissions from 2 submitters: Uncertain significance (2). Last evaluated 2025-11-01.

Conditions:
Brugada syndrome 8 (BRGDA8). Identifiers: Orphanet 130, MedGen C2751083, MONDO:0013148, OMIM 613123.
Cardiovascular phenotype. Identifiers: MedGen CN230736.

Allele frequency attached by ClinVar (database versions not stated): TOPMed 0.00001.

Submissions (2):

Labcorp Genetics (formerly Invitae), Labcorp
Classification: Uncertain significance for Brugada syndrome 8. Last evaluated: 2025-11-01. Review status: criteria provided, single submitter. Criteria: Invitae Variant Classification Sherloc (09022015). Collection method: clinical testing. Allele origin: germline.
Comment: This sequence change replaces isoleucine, which is neutral and non-polar, with valine, which is neutral and non-polar, at codon 773 of the HCN4 protein (p.Ile773Val). This variant is present in population databases (no rsID available, gnomAD 0.01%). This variant has not been reported in the literature in individuals affected with HCN4-related conditions. ClinVar contains an entry for this variant (Variation ID: 1047194). Invitae Evidence Modeling of protein sequence and biophysical properties (such as structural, functional, and spatial information, amino acid conservation, physicochemical variation, residue mobility, and thermodynamic stability) has been performed for this missense variant. However, the output from this modeling did not meet the statistical confidence thresholds required to predict the impact of this variant on HCN4 protein function. In summary, the available evidence is currently insufficient to determine the role of this variant in disease. Therefore, it has been classified as a Variant of Uncertain Significance.

Ambry Genetics
Classification: Uncertain significance for Cardiovascular phenotype. Last evaluated: 2025-10-18. Review status: criteria provided, single submitter. Criteria: Ambry Variant Classification Scheme 2023. Collection method: clinical testing. Allele origin: germline.